The following is an entry in ClinVar:

ClinVar aggregate classification (germline): Uncertain significance (1 of 4 stars; one submission).

Conditions:
Methylmalonic acidemia due to transcobalamin receptor defect (MATR). Also called: METHYLMALONIC ACIDURIA, TRANSIENT, DUE TO TRANSCOBALAMIN RECEPTOR DEFECT; METHYLMALONIC ACIDEMIA, TCblR TYPE. Identifiers: Orphanet 280183, MedGen C4749905, MONDO:0013341, OMIM 613646.

Allele frequency attached by ClinVar (database versions not stated): gnomAD 0.00001; TOPMed 0.00006.

Submission:

Labcorp Genetics (formerly Invitae), Labcorp
Classification: Uncertain significance for Methylmalonic acidemia due to transcobalamin receptor defect. Last evaluated: 2026-01-16. Review status: criteria provided, single submitter. Criteria: Invitae Variant Classification Sherloc (09022015). Collection method: clinical testing. Allele origin: germline.
Comment: This sequence change replaces glycine, which is neutral and non-polar, with serine, which is neutral and polar, at codon 112 of the CD320 protein (p.Gly112Ser). The frequency data for this variant in the population databases is considered unreliable, as metrics indicate poor data quality at this position in the gnomAD database. This variant has not been reported in the literature in individuals affected with CD320-related conditions. ClinVar contains an entry for this variant (Variation ID: 848693). An algorithm developed to predict the effect of missense changes on protein structure and function outputs the following: PolyPhen-2: "Benign". The serine amino acid residue is found in multiple mammalian species, which suggests that this missense change does not adversely affect protein function. Algorithms developed to predict the effect of sequence changes on RNA splicing suggest that this variant may create or strengthen a splice site. In summary, the available evidence is currently insufficient to determine the role of this variant in disease. Therefore, it has been classified as a Variant of Uncertain Significance.

NM_016579.4(CD320):c.334G>A (p.Gly112Ser)

Gene: CD320 (CD320 molecule; minus strand). Cytogenetic location: 19p13.2.
Variant type: single nucleotide variant.
Coding change: c.334G>A on transcript NM_016579.4 (MANE Select); coding-DNA position 334, G replaced by A.
Protein change: p.Gly112Ser; replaces glycine 112 with serine.
Molecular consequence: missense variant.
Genome position (GRCh38, 1-based): chr19:8,304,023, C>T on the plus strand (G>A on the coding strand, the complement: CD320 is on the minus strand). VCF-style: chr19-8304023-C-T. GRCh37 (hg19) VCF-style: chr19-8368907-C-T.
Other names: c.208G>A, p.Gly70Ser (NM_001165895.2); short protein forms G112S, G70S.
Identifiers: ClinVar variation 848693 (VCV000848693.8), dbSNP rs948576208, ClinGen allele CA304982696.
Genomic context (GRCh38, chr19:8,304,023, plus strand): 5'-AGGCCAGGCGGCTGCAGTTGCGCAGTTTCTTGTCAGTTCCCCCAGAGCAGTCACTGACGC[C>T]GGTGCAGGGGCAGGGGAGGCCAGGGGGCGGTGGGCATTGCCCTTTCTGGGTACATGGCTC-3'
Protein context (NP_057663.1, residues 102-122): PPPGLPCPCT[Gly112Ser]VSDCSGGTDK